The following is an entry in ClinVar:

ClinVar aggregate classification (germline): Pathogenic (1 of 4 stars; one submission).

Conditions:
Walker-Warburg congenital muscular dystrophy. Also called: Muscular dystrophy-dystroglycanopathy, type A; Walker-Warburg syndrome. Identifiers: Orphanet 899, MedGen C0265221, MONDO:0000171.

Submission:

Labcorp Genetics (formerly Invitae), Labcorp
Classification: Pathogenic for Walker-Warburg congenital muscular dystrophy. Last evaluated: 2017-07-02. Review status: criteria provided, single submitter. Criteria: Invitae Variant Classification Sherloc (09022015). Collection method: clinical testing. Allele origin: germline.
Comment: A gross deletion of the genomic region encompassing the full coding sequence of the FKTN gene has been identified. The boundaries of this event are unknown as the deletion extends beyond the assayed region for this gene and therefore may encompass additional genes. This variant has not been reported in the literature in individuals with FKTN-related disease. Loss-of-function variants in FKTN are known to be pathogenic (PMID: 17044012, 17878207, 18752264). For these reasons, this variant has been classified as Pathogenic.

Literature cited by the submitters: PubMed 17044012; PubMed 17878207; PubMed 18752264.

NC_000009.12:g.(?_105546358)_(105620061_?)del

Genes: FKTN (fukutin; plus strand), FKTN-AS1 (FKTN antisense RNA 1; minus strand), FSD1L (fibronectin type III and SPRY domain containing 1 like; plus strand), LOC130002287 (ATAC-STARR-seq lymphoblastoid active region 28744; plus strand), LOC130002286 (ATAC-STARR-seq lymphoblastoid active region 28743; plus strand). Cytogenetic location: 9q31.2.
Variant type: Deletion.
Identifiers: ClinVar variation 583945 (VCV000583945.2).